The following is an entry in ClinVar:

ClinVar aggregate classification (germline): Uncertain significance (1 of 4 stars; one submission).

Conditions:
H syndrome. Also called: FAISALABAD HISTIOCYTOSIS; Histiocytosis with joint contractures and sensorineural deafness; Pigmented hypertrichosis and insulin-dependent diabetes mellitus; HISTIOCYTOSIS AND LYMPHADENOPATHY WITH OR WITHOUT CUTANEOUS, CARDIAC, AND/OR ENDOCRINE FEATURES, JOINT CONTRACTURES, AND/OR DEAFNESS; HYPERPIGMENTATION, CUTANEOUS, WITH HYPERTRICHOSIS, HEPATOSPLENOMEGALY, HEART ANOMALIES, AND HYPOGONADISM WITH OR WITHOUT HEARING LOSS; PIGMENTED HYPERTRICHOSIS WITH INSULIN-DEPENDENT DIABETES MELLITUS. Identifiers: Orphanet 168569, MedGen C1864445, MONDO:0011273, OMIM 602782.

Submission:

Labcorp Genetics (formerly Invitae), Labcorp
Classification: Uncertain significance for H syndrome. Last evaluated: 2022-08-20. Review status: criteria provided, single submitter. Criteria: Invitae Variant Classification Sherloc (09022015). Collection method: clinical testing. Allele origin: germline.
Comment: Algorithms developed to predict the effect of missense changes on protein structure and function are either unavailable or do not agree on the potential impact of this missense change (SIFT: "Not Available"; PolyPhen-2: "Probably Damaging"; Align-GVGD: "Not Available"). In summary, the available evidence is currently insufficient to determine the role of this variant in disease. Therefore, it has been classified as a Variant of Uncertain Significance. This variant has not been reported in the literature in individuals affected with SLC29A3-related conditions. Information on the frequency of this variant in the gnomAD database is not available, as this variant may be reported differently in the database. This sequence change replaces glutamic acid, which is acidic and polar, with methionine, which is neutral and non-polar, at codon 444 of the SLC29A3 protein (p.Glu444Met).

NM_018344.6(SLC29A3):c.1330_1331delinsAT (p.Glu444Met)

Gene: SLC29A3 (solute carrier family 29 member 3; plus strand). Cytogenetic location: 10q22.1.
Variant type: Indel.
Coding change: c.1330_1331delinsAT on transcript NM_018344.6 (MANE Select); coding-DNA positions 1330 to 1331, GA replaced by AT.
Protein change: p.Glu444Met; replaces glutamic acid 444 with methionine.
Molecular consequence: missense variant. On other transcripts: 3 prime UTR variant (1), non-coding transcript variant (2).
Genome position (GRCh38, 1-based): chr10:71,362,510-71,362,511, GA replaced by AT. VCF-style: chr10-71362510-GA-AT. GRCh37 (hg19) VCF-style: chr10-73122267-GA-AT.
Other names: c.*559_*560delinsAT (NM_001174098.2); c.1096_1097delinsAT, p.Glu366Met (NM_001363518.2); short protein forms E366M, E444M.
Identifiers: ClinVar variation 1716955 (VCV001716955.5), dbSNP rs2492507457, ClinGen allele CA2580081808.